The following is an entry in ClinVar:

NM_173483.4(CYP4F22):c.1351C>T (p.Arg451Cys)

Gene: CYP4F22 (cytochrome P450 family 4 subfamily F member 22; plus strand). Cytogenetic location: 19p13.12.
Variant type: single nucleotide variant.
Coding change: c.1351C>T on transcript NM_173483.4 (MANE Select); coding-DNA position 1351, C replaced by T.
Protein change: p.Arg451Cys; replaces arginine 451 with cysteine.
Molecular consequence: missense variant.
Genome position (GRCh38, 1-based): chr19:15,550,689, C>T. VCF-style: chr19-15550689-C-T. GRCh37 (hg19) VCF-style: chr19-15661500-C-T.
Other names: short protein forms R451C.
Identifiers: ClinVar variation 560313 (VCV000560313.6), dbSNP rs200581968, ClinGen allele CA9269934.

ClinVar aggregate classification (germline): Pathogenic/Likely pathogenic. Review status: criteria provided, multiple submitters, no conflicts (2 of 4 stars). 3 submissions from 3 submitters: Pathogenic (1); Likely pathogenic (1). 1 of the submissions does not count toward it. Last evaluated 2021-10-20.

Conditions:
CYP4F22-related disorder. Also called: CYP4F22-related condition.
Autosomal recessive congenital ichthyosis 5 (ARCI5). Also called: Ichthyosis, nonlamellar and nonerythrodermic, congenital, autosomal recessive; ICHTHYOSIS CONGENITA III. Identifiers: Orphanet 313, MedGen C1858133, MONDO:0011485, OMIM 604777.

Allele frequency attached by ClinVar (database versions not stated): TOPMed 0.00002.
gnomAD v4.1: 2 of 1,614,186 alleles (0.00012%); highest among the groups gnomAD compares: Non-Finnish European, 0.000085%; no homozygotes.

Submissions (3):

Blueprint Genetics
Classification: Pathogenic for CYP4F22-related disorders. Last evaluated: 2021-10-20. Review status: criteria provided, single submitter. Criteria: ACMG Guidelines, 2015. Collection method: clinical testing. Allele origin: germline. Affected: yes. Observed: 5 variant alleles.

GeneDx
Classification: Likely pathogenic. Last evaluated: 2019-04-25. Review status: criteria provided, single submitter. Criteria: GeneDx Variant Classification Process June 2021. Collection method: clinical testing. Allele origin: germline. Affected: yes.
Comment: Not observed at a significant frequency in large population cohorts (Lek et al., 2016); In silico analysis, which includes protein predictors and evolutionary conservation, supports a deleterious effect; This variant is associated with the following publications: (PMID: 31589614, 30011118)

Institute for Human Genetics, University Medical Center Freiburg
Classification: Pathogenic for Autosomal recessive congenital ichthyosis 5. Last evaluated: 2018-04-23. Review status: no assertion criteria provided. Collection method: clinical testing. Allele origin: germline. Affected: yes. Not counted in ClinVar's aggregate classification.

Literature cited by the submitters: PubMed 30011118 (cited by Institute for Human Genetics, University Medical Center Freiburg).